The following is an entry in ClinVar:

ClinVar aggregate classification (germline): Pathogenic. Review status: criteria provided, multiple submitters, no conflicts (2 of 4 stars). 5 submissions from 5 submitters: Pathogenic (3). 2 of the submissions do not count toward it. Last evaluated 2025-12-15.

Conditions:
Combined immunodeficiency. Also called: Congenital combined immunodeficiency; Combined T and B cell immunodeficiency. Identifiers: Orphanet 101972, MedGen C2711630, MONDO:0015131, HP:0005387.
Severe combined immunodeficiency due to CARMIL2 deficiency. Also called: IMMUNODEFICIENCY 58. Identifiers: Orphanet 542301, MedGen C4748304, MONDO:0029134, OMIM 618131.

Allele frequency attached by ClinVar (database versions not stated): gnomAD 0.00001; TOPMed 0.00003.
gnomAD v4.1: 2 of 1,609,250 alleles (0.00012%); highest among the groups gnomAD compares: Admixed American, 0.0017%; no homozygotes.

Submissions (5):

Labcorp Genetics (formerly Invitae), Labcorp
Classification: Pathogenic. Last evaluated: 2025-12-15. Review status: criteria provided, single submitter. Criteria: Invitae Variant Classification Sherloc (09022015). Collection method: clinical testing. Allele origin: germline.
Comment: This sequence change affects a donor splice site in intron 11 of the CARMIL2 gene. It is expected to disrupt RNA splicing. Variants that disrupt the donor or acceptor splice site typically lead to a loss of protein function (PMID: 16199547), and loss-of-function variants in CARMIL2 are known to be pathogenic (PMID: 27647349, 28112205). This variant is not present in population databases (gnomAD no frequency). Disruption of this splice site has been observed in individual(s) with clinical features of CARMIL2-related features (PMID: 28112205). It has also been observed to segregate with disease in related individuals. ClinVar contains an entry for this variant (Variation ID: 266036). Algorithms developed to predict the effect of sequence changes on RNA splicing suggest that this variant may disrupt the consensus splice site. For these reasons, this variant has been classified as Pathogenic.

Next Generation Genetic Polyclinic
Classification: Pathogenic for Severe combined immunodeficiency due to CARMIL2 deficiency. Last evaluated: 2025-03-31. Review status: criteria provided, single submitter. Criteria: ACMG Guidelines, 2015. Collection method: clinical testing. Allele origin: germline. Affected: yes. Observed: 1 variant allele.
Comment: Splice site variant in the CARMIL2 gene (c.871+1G>T), affecting the invariant +1 position of the donor splice site, which is critical for proper mRNA processing. This alteration is predicted to abolish normal splicing, likely resulting in exon skipping or use of a cryptic splice site, leading to a nonfunctional protein. The variant is absent from population databases (PM2) and has been reported in at least one individual with clinical features consistent with autosomal recessive CARMIL2 deficiency, which includes combined immunodeficiency and EBV-related disease. In silico tools support a deleterious impact (PP3), and clinical phenotype matches gene-disease association (PP4). Sanger sequencing confirmed variant presence. Classified as Pathogenic. Meets ACMG criteria: PVS1 (canonical splice site), PM2 (absent from controls), PP3 (in silico), PP4 (phenotype specificity).

Neuberg Centre For Genomic Medicine, NCGM
Classification: Pathogenic for Severe combined immunodeficiency due to CARMIL2 deficiency. Last evaluated: 2023-07-22. Review status: criteria provided, single submitter. Criteria: ACMG Guidelines, 2015. Collection method: clinical testing. Allele origin: germline. Inheritance: Autosomal recessive inheritance. Affected: yes.
Comment: The invariant splice donor c.871+1G>T in CARMIL2 gene has been reported in homozygous state in individualss affected with primary immunodeficiency disorders Schober T, et.al., 2017. The c.871+1G>T variant is absent in gnomAD Exomes. This variant has been reported to the ClinVar database as Pathogenic. Splice AI predicts this variant to cause splice donor loss 0.99 and splice donor gain 0.61. Loss of function variants have been previously reported to be disease causing. For these reasons, this variant has been classified as Pathogenic.

OMIM
Classification: Pathogenic for IMMUNODEFICIENCY 58. Last evaluated: 2018-09-28. Review status: no assertion criteria provided. Collection method: literature only. Allele origin: germline. Not counted in ClinVar's aggregate classification.

Klein lab, Ludwig-Maximilians-University
Classification: Pathogenic for Combined immunodeficiency. Last evaluated: 2016-10-01. Review status: no assertion criteria provided. Collection method: research. Allele origin: germline. Inheritance: Autosomal recessive inheritance. Affected: yes. Observed: 2 variant alleles, 2 homozygotes. Not counted in ClinVar's aggregate classification.
Comment: Experimentally proven primary immunodeficiency; combined immunodeficiency

Literature cited by the submitters: PubMed 16199547 (cited by Labcorp Genetics (formerly Invitae), Labcorp); PubMed 27647349 (cited by Labcorp Genetics (formerly Invitae), Labcorp); PubMed 28112205 (cited by 3 submitters).

NM_001013838.3(CARMIL2):c.871+1G>T

Gene: CARMIL2 (capping protein regulator and myosin 1 linker 2; plus strand). Cytogenetic location: 16q22.1.
Variant type: single nucleotide variant.
Coding change: c.871+1G>T on transcript NM_001013838.3 (MANE Select); the canonical splice donor site of the intron after coding-DNA position 871, G replaced by T.
Molecular consequence: splice donor variant.
Genome position (GRCh38, 1-based): chr16:67,647,603, G>T. VCF-style: chr16-67647603-G-T. GRCh37 (hg19) VCF-style: chr16-67681506-G-T.
Other names: IVS11DS, G-T, +1; c.871+1G>T (NM_001317026.3).
Identifiers: ClinVar variation 266036 (VCV000266036.5), dbSNP rs886041044, ClinGen allele CA10602469.